The following is an entry in ClinVar:

ClinVar aggregate classification (germline): Likely pathogenic. Review status: criteria provided, single submitter (1 of 4 stars). 2 submissions from 2 submitters: Likely pathogenic (1). 1 of the submissions does not count toward it. Last evaluated 2016-12-30.

Conditions:
Marfan syndrome (MFS). Also called: Marfan syndrome type 1; Marfan syndrome, classic; Marfan's syndrome; FBN1-Related Marfan Syndrome; MARFAN SYNDROME, TYPE I. Identifiers: Orphanet 284963, Orphanet 558, MedGen C0024796, MONDO:0007947, OMIM 154700.
Familial thoracic aortic aneurysm and aortic dissection (TAAD). Also called: Thoracic aortic aneurysms and dissections. Identifiers: Orphanet 91387, MedGen C4707243, MONDO:0019625.

Submissions (2):

Ambry Genetics
Classification: Likely pathogenic for Familial thoracic aortic aneurysm and aortic dissection. Last evaluated: 2016-12-30. Review status: criteria provided, single submitter. Criteria: Ambry Variant Classification Scheme 2023. Collection method: clinical testing. Allele origin: germline.
Comment: The p.C2581Y variant (also known as c.7742G>A), located in coding exon 62 of the FBN1 gene, results from a G to A substitution at nucleotide position 7742. The cysteine at codon 2581 is replaced by tyrosine, an amino acid with highly dissimilar properties. This alteration has been reported in an individual with some symptoms of Marfan syndrome; however, limited clinical information was available (Howarth R et al. Genet. Test., 2007;11:146-52; Turner CL et al. Am. J. Med. Genet. A, 2009 Feb;149A:161-70). Several alternate amino acid substitutions at this position have been reported in individuals with Marfan syndrome, including a reported de novo case with p.C2581S, suggesting this position to be a mutation hotspot (Loeys B et al. Arch. Intern. Med., 2001 Nov;161:2447-54; Hilhorst-Hofstee Y et al. J. Child Neurol., 2008 Aug;23:954-5; K&ouml;rkk&ouml; J et al. J. Med. Genet., 2002 Jan;39:34-41; ). This amino acid is located in a calcium-binding EGF-like (cbEGF) domain, and is predicted to participate in disulfide bonding. This amino acid position is highly conserved in available vertebrate species. In addition, this alteration is predicted to be deleterious by in silico analysis. The majority of FBN1 mutations identified to date have involved the substitution or generation of cysteine residues within cbEGF domains (Vollbrandt T et al. J Biol Chem. 2004;279(31):32924-32931). Based on the majority of available evidence to date, this variant is likely to be pathogenic.

Center for Medical Genetics Ghent, University of Ghent
Classification: Likely pathogenic for Marfan syndrome. Last evaluated: 2017-11-07. Review status: no assertion criteria provided. Collection method: clinical testing. Allele origin: germline. Affected: yes. Not counted in ClinVar's aggregate classification.

Literature cited by the submitters: PubMed 11700157 (cited by Ambry Genetics); PubMed 11826022 (cited by Ambry Genetics); PubMed 17627385 (cited by Ambry Genetics); PubMed 18354149 (cited by Ambry Genetics); PubMed 19161152 (cited by Ambry Genetics).

NM_000138.5(FBN1):c.7742G>A (p.Cys2581Tyr)

Gene: FBN1 (fibrillin 1; minus strand). Cytogenetic location: 15q21.1.
Variant type: single nucleotide variant.
Coding change: c.7742G>A on transcript NM_000138.5 (MANE Select); coding-DNA position 7742, G replaced by A.
Protein change: p.Cys2581Tyr; replaces cysteine 2581 with tyrosine.
Molecular consequence: missense variant.
Genome position (GRCh38, 1-based): chr15:48,420,764, C>T on the plus strand (G>A on the coding strand, the complement: FBN1 is on the minus strand). VCF-style: chr15-48420764-C-T. GRCh37 (hg19) VCF-style: chr15-48712961-C-T.
Other names: short protein forms C2581Y.
Identifiers: ClinVar variation 549426 (VCV000549426.3), dbSNP rs1555394149, ClinGen allele CA392324755.